The following is an entry in ClinVar:

NM_000443.4(ABCB4):c.3395A>G (p.Tyr1132Cys)

Gene: ABCB4 (ATP binding cassette subfamily B member 4; minus strand). Cytogenetic location: 7q21.12.
Variant type: single nucleotide variant.
Coding change: c.3395A>G on transcript NM_000443.4 (MANE Select); coding-DNA position 3395, A replaced by G.
Protein change: p.Tyr1132Cys; replaces tyrosine 1132 with cysteine.
Molecular consequence: missense variant.
Genome position (GRCh38, 1-based): chr7:87,406,379, T>C on the plus strand (A>G on the coding strand, the complement: ABCB4 is on the minus strand). VCF-style: chr7-87406379-T-C. GRCh37 (hg19) VCF-style: chr7-87035695-T-C.
Other names: c.3416A>G, p.Tyr1139Cys (NM_018849.3); c.3254A>G, p.Tyr1085Cys (NM_018850.3); c.3395A>G (NM_000443.3); short protein forms Y1085C, Y1132C, Y1139C.
Identifiers: ClinVar variation 3616393 (VCV003616393.4).

ClinVar aggregate classification (germline): Uncertain significance. Review status: criteria provided, multiple submitters, no conflicts (2 of 4 stars). 3 submissions from 3 submitters: Uncertain significance (3). Last evaluated 2026-04-14.

Conditions:
ABCB4-related disorder. Also called: ABCB4-related disorders; ABCB4-related condition.
Familial intrahepatic cholestasis. Identifiers: Orphanet 284385, MedGen CN296401, MONDO:0017290.

Submissions (3):

Genomenon, Inc
Classification: Uncertain significance for Familial intrahepatic cholestasis. Last evaluated: 2026-04-14. Review status: criteria provided, single submitter. Criteria: Genomenon Sequence Variant Interpretation Standards - Updated. Collection method: curation. Allele origin: germline. Affected: no.
Comment: ABCB4 p.Tyr1132Cys (c.3395A>G) is a missense variant that changes the amino acid at residue 1132 from Tyrosine to Cysteine. This variant has been reported in the published literature (PMID:37566928). It is absent or not present at a significant frequency in gnomAD. In silico models predict that this variant is possibly or probably damaging. In conclusion, we classify ABCB4 p.Tyr1132Cys (c.3395A>G) as a variant of uncertain significance.

PreventionGenetics, part of Exact Sciences
Classification: Uncertain significance for ABCB4-related condition. Last evaluated: 2025-08-27. Review status: criteria provided, single submitter. Criteria: ACMG Guidelines, 2015. Collection method: clinical testing. Allele origin: germline.
Comment: The ABCB4 c.3395A>G variant is predicted to result in the amino acid substitution p.Tyr1132Cys. This variant was previously reported, along with a second ABCB4 missense variant in cis, in an individual with intrahepatic cholestasis of pregnancy (Zheng et al. 2023. PubMed ID: 37566928). This variant is reported in 0.0080% of alleles in individuals of African descent in gnomAD. At this time, the clinical significance of this variant is uncertain due to the absence of conclusive functional and genetic evidence.

Labcorp Genetics (formerly Invitae), Labcorp
Classification: Uncertain significance. Last evaluated: 2024-03-23. Review status: criteria provided, single submitter. Criteria: Invitae Variant Classification Sherloc (09022015). Collection method: clinical testing. Allele origin: germline.
Comment: This sequence change replaces tyrosine, which is neutral and polar, with cysteine, which is neutral and slightly polar, at codon 1132 of the ABCB4 protein (p.Tyr1132Cys). This variant is present in population databases (rs374676517, gnomAD 0.008%). This variant has not been reported in the literature in individuals affected with ABCB4-related conditions. Advanced modeling of protein sequence and biophysical properties (such as structural, functional, and spatial information, amino acid conservation, physicochemical variation, residue mobility, and thermodynamic stability) has been performed at Invitae for this missense variant, however the output from this modeling did not meet the statistical confidence thresholds required to predict the impact of this variant on ABCB4 protein function. In summary, the available evidence is currently insufficient to determine the role of this variant in disease. Therefore, it has been classified as a Variant of Uncertain Significance.

Literature cited by the submitters: PubMed 37566928 (cited by Genomenon, Inc).